The following is an entry in ClinVar:

NM_001385641.1(SAMD11):c.919C>T (p.Arg307Cys)

Gene: SAMD11 (sterile alpha motif domain containing 11; plus strand). Cytogenetic location: 1p36.33.
Variant type: single nucleotide variant.
Coding change: c.919C>T on transcript NM_001385641.1 (MANE Select); coding-DNA position 919, C replaced by T.
Protein change: p.Arg307Cys; replaces arginine 307 with cysteine.
Molecular consequence: missense variant.
Genome position (GRCh38, 1-based): chr1:935,848, C>T. VCF-style: chr1-935848-C-T. GRCh37 (hg19) VCF-style: chr1-871228-C-T.
Other names: c.382C>T (NM_152486.2); c.919C>T, p.Arg307Cys (NM_001385640.1); c.382C>T, p.Arg128Cys (NM_152486.4); short protein forms R307C, R128C.
Identifiers: ClinVar variation 1909476 (VCV001909476.5), dbSNP rs142210309, ClinGen allele CA502583.

ClinVar aggregate classification (germline): Uncertain significance. Review status: criteria provided, multiple submitters, no conflicts (2 of 4 stars). 2 submissions from 2 submitters: Uncertain significance (2). Last evaluated 2025-09-01.

Allele frequency attached by ClinVar (database versions not stated): ExAC 0.00002; TOPMed 0.00003; gnomAD 0.00004; ESP Exome Variant Server 0.00008.

Submissions (2):

Ambry Genetics
Classification: Uncertain significance. Last evaluated: 2025-09-01. Review status: criteria provided, single submitter. Criteria: Ambry Variant Classification Scheme 2023. Collection method: clinical testing. Allele origin: germline.

Labcorp Genetics (formerly Invitae), Labcorp
Classification: Uncertain significance. Last evaluated: 2022-07-12. Review status: criteria provided, single submitter. Criteria: Invitae Variant Classification Sherloc (09022015). Collection method: clinical testing. Allele origin: germline.
Comment: This sequence change replaces arginine, which is basic and polar, with cysteine, which is neutral and slightly polar, at codon 128 of the SAMD11 protein (p.Arg128Cys). This variant is present in population databases (rs142210309, gnomAD 0.005%). This variant has not been reported in the literature in individuals affected with SAMD11-related conditions. Algorithms developed to predict the effect of missense changes on protein structure and function are either unavailable or do not agree on the potential impact of this missense change (SIFT: "Deleterious"; PolyPhen-2: "Benign"; Align-GVGD: "Class C0"). In summary, the available evidence is currently insufficient to determine the role of this variant in disease. Therefore, it has been classified as a Variant of Uncertain Significance.